The following is an entry in ClinVar:

ClinVar aggregate classification (germline): Uncertain significance. Review status: criteria provided, multiple submitters, no conflicts (2 of 4 stars). 4 submissions from 4 submitters: Uncertain significance (4). Last evaluated 2025-04-24.

Conditions:
Inborn genetic diseases. Identifiers: MedGen C0950123, MeSH D030342.

Allele frequency attached by ClinVar (database versions not stated): gnomAD exomes 0.00002; ExAC 0.00003; ESP Exome Variant Server 0.00008; TOPMed 0.00009; gnomAD 0.00011.
gnomAD v4.1: 42 of 1,613,492 alleles (0.0026%); highest among the groups gnomAD compares: African/African-American, 0.025%; no homozygotes.

Submissions (4):

GeneDx
Classification: Uncertain significance. Last evaluated: 2025-04-24. Review status: criteria provided, single submitter. Criteria: GeneDx Variant Classification Process June 2021. Collection method: clinical testing. Allele origin: germline.
Comment: In silico analysis indicates that this missense variant does not alter protein structure/function; Has not been previously published as pathogenic or benign to our knowledge

Labcorp Genetics (formerly Invitae), Labcorp
Classification: Uncertain significance. Last evaluated: 2024-07-24. Review status: criteria provided, single submitter. Criteria: Invitae Variant Classification Sherloc (09022015). Collection method: clinical testing. Allele origin: germline.
Comment: This sequence change replaces valine, which is neutral and non-polar, with isoleucine, which is neutral and non-polar, at codon 770 of the LARS2 protein (p.Val770Ile). This variant is present in population databases (rs143901188, gnomAD 0.02%). This variant has not been reported in the literature in individuals affected with LARS2-related conditions. ClinVar contains an entry for this variant (Variation ID: 2167929). An algorithm developed to predict the effect of missense changes on protein structure and function (PolyPhen-2) suggests that this variant is likely to be tolerated. In summary, the available evidence is currently insufficient to determine the role of this variant in disease. Therefore, it has been classified as a Variant of Uncertain Significance.

Blueprint Genetics
Classification: Uncertain significance. Last evaluated: 2022-10-14. Review status: criteria provided, single submitter. Criteria: ACMG Guidelines, 2015. Collection method: clinical testing. Allele origin: germline.

Ambry Genetics
Classification: Uncertain significance for Inborn genetic diseases. Last evaluated: 2020-11-10. Review status: criteria provided, single submitter. Criteria: Ambry Variant Classification Scheme 2023. Collection method: clinical testing. Allele origin: germline.
Comment: The c.2308G>A (p.V770I) alteration is located in exon 20 (coding exon 18) of the LARS2 gene. This alteration results from a G to A substitution at nucleotide position 2308, causing the valine (V) at amino acid position 770 to be replaced by an isoleucine (I). Based on data from the Genome Aggregation Database (gnomAD) database, the LARS2 c.2308G>A alteration was observed in <0.01% (10/282802) of total alleles studied, with a frequency of 0.02% (5/24950) in the African subpopulation. This amino acid position is not well conserved in available vertebrate species. The p.V770I alteration is predicted to be tolerated by in silico analysis. Based on insufficient or conflicting evidence, the clinical significance of this alteration remains unclear.

NM_015340.4(LARS2):c.2308G>A (p.Val770Ile)

Gene: LARS2 (leucyl-tRNA synthetase 2, mitochondrial; plus strand). Cytogenetic location: 3p21.31.
Variant type: single nucleotide variant.
Coding change: c.2308G>A on transcript NM_015340.4 (MANE Select); coding-DNA position 2308, G replaced by A.
Protein change: p.Val770Ile; replaces valine 770 with isoleucine.
Molecular consequence: missense variant.
Genome position (GRCh38, 1-based): chr3:45,524,012, G>A. VCF-style: chr3-45524012-G-A. GRCh37 (hg19) VCF-style: chr3-45565504-G-A.
Other names: c.2308G>A, p.Val770Ile (NM_001368263.1); c.2308G>A (NM_015340.3); short protein forms V770I.
Identifiers: ClinVar variation 2167929 (VCV002167929.7), dbSNP rs143901188, ClinGen allele CA2349860.